The following is an entry in ClinVar:

ClinVar aggregate classification (germline): Uncertain significance. Review status: criteria provided, multiple submitters, no conflicts (2 of 4 stars). 5 submissions from 5 submitters: Uncertain significance (4). 1 of the submissions does not count toward it. Last evaluated 2025-09-14.

Conditions:
NPHP3-related disorder. Also called: NPHP3-related condition; NPHP3-related disorders. Identifiers: MedGen CN379163.
Nephronophthisis. Also called: Juvenile Nephronophthisis. Identifiers: Orphanet 655, MedGen C0687120, MONDO:0019005, HP:0000090.
Retinal dystrophy. Also called: Inherited retinal dystrophy. Identifiers: Orphanet 71862, MedGen C0854723, MeSH D058499, MONDO:0019118, HP:0000556.
Nephronophthisis 3 (NPHP3). Also called: Adolescent nephronophthisis. Identifiers: Orphanet 655, MedGen C1858392, MONDO:0011456, OMIM 604387.
NPHP3-related Meckel-like syndrome. Also called: GOLDSTON SYNDROME; Meckel syndrome type 7. Identifiers: Orphanet 3032, MedGen C2673885, MONDO:0009966, OMIM 267010.
Renal-hepatic-pancreatic dysplasia 1 (RHPD1). Identifiers: MedGen C3715199, MONDO:0008833, OMIM 208540.

Submissions (5):

PreventionGenetics, part of Exact Sciences
Classification: Uncertain significance for NPHP3-related condition. Last evaluated: 2025-09-14. Review status: criteria provided, single submitter. Criteria: ACMG Guidelines, 2015. Collection method: clinical testing. Allele origin: germline.
Comment: The NPHP3 c.158_160delCAG variant is predicted to result in an in-frame deletion (p.Ala53del). To our knowledge, this variant has not been reported in the literature. This variant is reported in 0.027% of alleles in individuals of South Asian descent in gnomAD. At this time, the clinical significance of this variant is uncertain due to the absence of conclusive functional and genetic evidence.

Labcorp Genetics (formerly Invitae), Labcorp
Classification: Uncertain significance for Nephronophthisis. Last evaluated: 2022-06-27. Review status: criteria provided, single submitter. Criteria: Invitae Variant Classification Sherloc (09022015). Collection method: clinical testing. Allele origin: germline.
Comment: This variant, c.158_160del, results in the deletion of 1 amino acid(s) of the NPHP3 protein (p.Ala53del), but otherwise preserves the integrity of the reading frame. In summary, the available evidence is currently insufficient to determine the role of this variant in disease. Therefore, it has been classified as a Variant of Uncertain Significance. Experimental studies and prediction algorithms are not available or were not evaluated, and the functional significance of this variant is currently unknown. This variant has not been reported in the literature in individuals affected with NPHP3-related conditions. This variant is present in population databases (rs766573820, gnomAD 0.03%).

Fulgent Genetics
Classification: Uncertain significance for Renal-hepatic-pancreatic dysplasia 1; NPHP3-related Meckel-like syndrome; Nephronophthisis 3. Last evaluated: 2022-04-04. Review status: criteria provided, single submitter. Criteria: ACMG Guidelines, 2015. Collection method: clinical testing. Allele origin: unknown.

Eurofins Ntd Llc (ga)
Classification: Uncertain significance. Last evaluated: 2017-05-30. Review status: criteria provided, single submitter. Criteria: EGL Classification Definitions 2015. Collection method: clinical testing. Allele origin: germline. Observed: 1 variant allele, 1 heterozygote.

Institute of Human Genetics, Univ. Regensburg, Univ. Regensburg
Classification: Uncertain significance for Retinal dystrophy. Last evaluated: 2022-01-01. Review status: no assertion criteria provided. Criteria: ACMG Guidelines, 2015. Collection method: clinical testing. Allele origin: germline. Affected: yes. Not counted in ClinVar's aggregate classification.

NM_153240.5(NPHP3):c.155CAG[1] (p.Ala53del)

Genes: NPHP3-AS1 (NPHP3 antisense RNA 1; plus strand), NPHP3-ACAD11 (NPHP3-ACAD11 readthrough (NMD candidate); minus strand), NPHP3 (nephrocystin 3; minus strand), LOC129937586 (ATAC-STARR-seq lymphoblastoid silent region 14743; plus strand). Cytogenetic location: 3q22.1.
Variant type: Microsatellite.
Coding change: c.155CAG[1] on transcript NM_153240.5 (MANE Select); one copy of the 3-base unit CAG starting at c.155; the reference has two copies in a row; one copy, 3 bases deleted; also written c.158_160del.
Protein change: p.Ala53del; deletes alanine 53.
Molecular consequence: inframe deletion. On other transcripts: non-coding transcript variant (3).
Genome position (GRCh38, 1-based): chr3:132,722,196-132,722,198, CTG deleted on the plus strand (CAG on the coding strand, the reverse complement: NPHP3 is on the minus strand); deleting any 3 consecutive bases within chr3:132,722,196-132,722,202 gives the same sequence; the position shown is the placement nearest the transcript's 3' end. VCF-style (leftmost placement, unchanged base first): chr3-132722195-CCTG-C. GRCh37 (hg19) VCF-style: chr3-132441039-CCTG-C.
Other names: c.158_160delCAG (NM_153240.4); c.158_160del (NM_153240.5); short protein forms A53del.
Identifiers: ClinVar variation 502325 (VCV000502325.13), dbSNP rs766573820, ClinGen allele CA2622695.